The following is an entry in ClinVar:

ClinVar aggregate classification (germline): Pathogenic (1 of 4 stars; one submission).

Conditions:
Nephronophthisis. Also called: Juvenile Nephronophthisis. Identifiers: Orphanet 655, MedGen C0687120, MONDO:0019005, HP:0000090.

Submission:

Labcorp Genetics (formerly Invitae), Labcorp
Classification: Pathogenic for Nephronophthisis. Last evaluated: 2025-04-25. Review status: criteria provided, single submitter. Criteria: Invitae Variant Classification Sherloc (09022015). Collection method: clinical testing. Allele origin: germline.
Comment: This sequence change creates a premature translational stop signal (p.Gly389Glufs*5) in the NPHP3 gene. It is expected to result in an absent or disrupted protein product. Loss-of-function variants in NPHP3 are known to be pathogenic (PMID: 18371931, 23559409). This variant is not present in population databases (gnomAD no frequency). This variant has not been reported in the literature in individuals affected with NPHP3-related conditions. ClinVar contains an entry for this variant (Variation ID: 1391319). Algorithms developed to predict the effect of sequence changes on RNA splicing suggest that this variant may disrupt the consensus splice site. For these reasons, this variant has been classified as Pathogenic.

Literature cited by the submitters: PubMed 18371931; PubMed 23559409.

NM_153240.5(NPHP3):c.1164del (p.Gly389fs)

Genes: NPHP3 (nephrocystin 3; minus strand), NPHP3-ACAD11 (NPHP3-ACAD11 readthrough (NMD candidate); minus strand). Cytogenetic location: 3q22.1.
Variant type: Deletion.
Coding change: c.1164del on transcript NM_153240.5 (MANE Select); coding-DNA position 1164, one base deleted (A; older notation c.1164delA).
Protein change: p.Gly389fs; shifts the reading frame from glycine 389.
Molecular consequence: frameshift variant. On other transcripts: non-coding transcript variant (1).
Genome position (GRCh38, 1-based): chr3:132,708,212, T deleted on the plus strand (A on the coding strand, the reverse complement: NPHP3 is on the minus strand); the first of 2 consecutive T bases (chr3:132,708,212-132,708,213); deleting either gives the same sequence. VCF-style (leftmost placement, unchanged base first): chr3-132708211-CT-C. GRCh37 (hg19) VCF-style: chr3-132427055-CT-C.
Other names: short protein forms G389fs.
Identifiers: ClinVar variation 1391319 (VCV001391319.6), dbSNP rs2107990671, ClinGen allele CA2573136531.